The following is an entry in ClinVar:

NM_004586.3(RPS6KA3):c.127-9440G>A

Gene: RPS6KA3 (ribosomal protein S6 kinase A3; minus strand). Cytogenetic location: Xp22.12.
Variant type: single nucleotide variant.
Coding change: c.127-9440G>A on transcript NM_004586.3 (MANE Select); 9440 bases into the intron before coding-DNA position 127, G replaced by A.
Molecular consequence: intron variant.
Genome position (GRCh38, 1-based): chrX:20,218,844, C>T on the plus strand (G>A on the coding strand, the complement: RPS6KA3 is on the minus strand). VCF-style: chrX-20218844-C-T. GRCh37 (hg19) VCF-style: chrX-20236962-C-T.
Identifiers: ClinVar variation 2660141 (VCV002660141.24), dbSNP rs372851136, ClinGen allele CA10366328.

ClinVar aggregate classification (germline): Likely benign (1 of 4 stars; one submission).

Allele frequency attached by ClinVar (database versions not stated): TOPMed 0.00006; gnomAD exomes 0.00012; gnomAD 0.00013; ExAC 0.00015; ESP Exome Variant Server 0.00022.
gnomAD v4.1: 155 of 1,195,184 alleles (0.013%); highest among the groups gnomAD compares: Middle Eastern, 0.023%; no homozygotes.

Submission:

CeGaT Center for Human Genetics Tuebingen
Classification: Likely benign. Last evaluated: 2023-02-01. Review status: criteria provided, single submitter. Criteria: CeGaT Center For Human Genetics Tuebingen Variant Classification Criteria Version 2. Collection method: clinical testing. Allele origin: germline. Affected: yes. Observed: 1 variant allele.
Comment: RPS6KA3: BS2